The following is an entry in ClinVar:

NM_004465.2(FGF10):c.101del (p.Pro34fs)

Gene: FGF10 (fibroblast growth factor 10; minus strand). Cytogenetic location: 5p12.
Variant type: Deletion.
Coding change: c.101del on transcript NM_004465.2 (MANE Select); coding-DNA position 101, one base deleted (C; older notation c.101delC).
Protein change: p.Pro34fs; shifts the reading frame from proline 34.
Molecular consequence: frameshift variant.
Genome position (GRCh38, 1-based): chr5:44,388,582, G deleted on the plus strand (C on the coding strand, the reverse complement: FGF10 is on the minus strand); the first of 3 consecutive G bases (chr5:44,388,582-44,388,584); deleting any one gives the same sequence. VCF-style (leftmost placement, unchanged base first): chr5-44388581-AG-A. GRCh37 (hg19) VCF-style: chr5-44388683-AG-A.
Other names: short protein forms P34fs.
Identifiers: ClinVar variation 2009733 (VCV002009733.5), dbSNP rs1561223826, ClinGen allele CA559293765.

ClinVar aggregate classification (germline): Pathogenic. Review status: criteria provided, multiple submitters, no conflicts (2 of 4 stars). 2 submissions from 2 submitters: Pathogenic (2). Last evaluated 2025-06-25.

Conditions:
Lacrimoauriculodentodigital syndrome 3 (LADD3). Also called: LADD syndrome 3. Identifiers: MedGen C5774287, MONDO:0859578, OMIM 620193.

Submissions (2):

3billion
Classification: Pathogenic for Lacrimoauriculodentodigital syndrome 3. Last evaluated: 2025-06-25. Review status: criteria provided, single submitter. Criteria: ACMG Guidelines, 2015. Collection method: clinical testing. Allele origin: germline. Affected: yes.
Comment: The variant is observed at an extremely low frequency in the gnomAD v4.1.0 dataset (total allele frequency: <0.001%). Predicted Consequence/Location: Frameshift: predicted to result in a loss or disruption of normal protein function through nonsense-mediated decay (NMD) or protein truncation. Multiple pathogenic variants are reported downstream of the variant. The variant has been reported to be associated with FGF10-related disorder (ClinVar ID: VCV002009733). Therefore, this variant is classified as Pathogenic according to the recommendation of ACMG/AMP guideline.

Labcorp Genetics (formerly Invitae), Labcorp
Classification: Pathogenic. Last evaluated: 2022-06-23. Review status: criteria provided, single submitter. Criteria: Invitae Variant Classification Sherloc (09022015). Collection method: clinical testing. Allele origin: germline.
Comment: For these reasons, this variant has been classified as Pathogenic. This variant has not been reported in the literature in individuals affected with FGF10-related conditions. This variant is present in population databases (no rsID available, gnomAD 0.003%). This sequence change creates a premature translational stop signal (p.Pro34Leufs*80) in the FGF10 gene. It is expected to result in an absent or disrupted protein product. Loss-of-function variants in FGF10 are known to be pathogenic (PMID: 15654336, 26955834).

Literature cited by the submitters: PubMed 15654336 (cited by Labcorp Genetics (formerly Invitae), Labcorp); PubMed 26955834 (cited by Labcorp Genetics (formerly Invitae), Labcorp).